The following is an entry in ClinVar:

NM_000336.3(SCNN1B):c.1757C>T (p.Thr586Ile)

Gene: SCNN1B (sodium channel epithelial 1 subunit beta; plus strand). Cytogenetic location: 16p12.2.
Variant type: single nucleotide variant.
Coding change: c.1757C>T on transcript NM_000336.3 (MANE Select); coding-DNA position 1757, C replaced by T.
Protein change: p.Thr586Ile; replaces threonine 586 with isoleucine.
Molecular consequence: missense variant.
Genome position (GRCh38, 1-based): chr16:23,380,635, C>T. VCF-style: chr16-23380635-C-T. GRCh37 (hg19) VCF-style: chr16-23391956-C-T.
Other names: short protein forms T586I.
Identifiers: ClinVar variation 886656 (VCV000886656.11), dbSNP rs147926991, ClinGen allele CA7960629.
Genomic context (GRCh38, chr16:23,380,635, plus strand): 5'-GAGCCCAAGCCAGCTACGCTGGCCCACCGCCCACCGTGGCCGAGCTGGTGGAGGCCCACA[C>T]CAACTTTGGCTTCCAGCCTGACACGGCCCCCCGCAGCCCCAACACTGGGCCCTACCCCAG-3'
Protein context (NP_000327.2, residues 576-596): PTVAELVEAH[Thr586Ile]NFGFQPDTAP

ClinVar aggregate classification (germline): Conflicting classifications of pathogenicity. Review status: criteria provided, conflicting classifications (1 of 4 stars). 7 submissions from 5 submitters: Uncertain significance (5); Benign (2). Last evaluated 2025-05-06.

Conditions:
Bronchiectasis with or without elevated sweat chloride 1 (BESC1). Also called: Cystic Fibrosis-Like Syndrome. Identifiers: Orphanet 60033, MedGen C2749757, MONDO:0008887, OMIM 211400.
Liddle syndrome 1 (LIDLS1). Also called: PSEUDOALDOSTERONISM. Identifiers: Orphanet 526, MedGen CN031472, MONDO:0020607, OMIM 177200.
Pseudohypoaldosteronism, type IB2, autosomal recessive (PHA1B2). Identifiers: MedGen C5774255, MONDO:0859317, OMIM 620125.
Inborn genetic diseases. Identifiers: MedGen C0950123, MeSH D030342.
Pseudohypoaldosteronism, type IB1, autosomal recessive. Also called: Pseudohypoaldosteronism, Type I, Autosomal Recessive; PHA I, AUTOSOMAL RECESSIVE; Autosomal recessive pseudohypoaldosteronism type 1; Pseudohypoaldosteronism, Type I, Recessive. Identifiers: Orphanet 171876, Orphanet 756, MedGen C5774176, MONDO:0009917, OMIM 264350.

Allele frequency attached by ClinVar (database versions not stated): gnomAD exomes 0.00012 and 0.00024; gnomAD 0.00014 and 0.00015; ExAC 0.00015; ESP Exome Variant Server 0.00015; TOPMed 0.00018.
gnomAD v4.1: 389 of 1,613,490 alleles (0.024%); highest among the groups gnomAD compares: Non-Finnish European, 0.03%; no homozygotes.

Submissions (7):

Revvity Omics, Revvity
Classification: Uncertain significance. Last evaluated: 2025-05-06. Review status: criteria provided, single submitter. Criteria: ACMG Guidelines, 2015. Collection method: clinical testing. Allele origin: germline.

Ambry Genetics
Classification: Uncertain significance for Inborn genetic diseases. Last evaluated: 2025-04-20. Review status: criteria provided, single submitter. Criteria: Ambry Variant Classification Scheme 2023. Collection method: clinical testing. Allele origin: germline.

Fulgent Genetics
Classification: Uncertain significance for Liddle syndrome 1; Bronchiectasis with or without elevated sweat chloride 1; Pseudohypoaldosteronism, type IB2, autosomal recessive. Last evaluated: 2024-05-19. Review status: criteria provided, single submitter. Criteria: ACMG Guidelines, 2015. Collection method: clinical testing. Allele origin: germline.

Labcorp Genetics (formerly Invitae), Labcorp
Classification: Uncertain significance. Last evaluated: 2022-07-19. Review status: criteria provided, single submitter. Criteria: Invitae Variant Classification Sherloc (09022015). Collection method: clinical testing. Allele origin: germline.
Comment: This variant is present in population databases (rs147926991, gnomAD 0.02%). This sequence change replaces threonine, which is neutral and polar, with isoleucine, which is neutral and non-polar, at codon 586 of the SCNN1B protein (p.Thr586Ile). This variant has not been reported in the literature in individuals affected with SCNN1B-related conditions. ClinVar contains an entry for this variant (Variation ID: 886656). In summary, the available evidence is currently insufficient to determine the role of this variant in disease. Therefore, it has been classified as a Variant of Uncertain Significance. Algorithms developed to predict the effect of missense changes on protein structure and function are either unavailable or do not agree on the potential impact of this missense change (SIFT: "Deleterious"; PolyPhen-2: "Benign"; Align-GVGD: "Class C0").

Illumina Laboratory Services, Illumina
Classification: Benign for Liddle syndrome 1. Last evaluated: 2018-01-13. Review status: criteria provided, single submitter. Criteria: ICSL Variant Classification Criteria 13 December 2019. Collection method: clinical testing. Allele origin: germline.
Comment: This variant was observed in the ICSL laboratory as part of a predisposition screen in an ostensibly healthy population. It had not been previously curated by ICSL or reported in the Human Gene Mutation Database (HGMD: prior to June 1st, 2018), and was therefore a candidate for classification through an automated scoring system. Utilizing variant allele frequency, disease prevalence and penetrance estimates, and inheritance mode, an automated score was calculated to assess if this variant is too frequent to cause the disease. Based on the score and internal cut-off values, a variant classified as benign is not then subjected to further curation. The score for this variant resulted in a classification of benign for this disease.

Illumina Laboratory Services, Illumina
Classification: Benign for Bronchiectasis with or without elevated sweat chloride 1. Last evaluated: 2018-01-13. Review status: criteria provided, single submitter. Criteria: ICSL Variant Classification Criteria 13 December 2019. Collection method: clinical testing. Allele origin: germline.
Comment: the same text as in the submission from Illumina Laboratory Services, Illumina above.

Illumina Laboratory Services, Illumina
Classification: Uncertain significance for Pseudohypoaldosteronism, type IB1, autosomal recessive. Last evaluated: 2018-01-13. Review status: criteria provided, single submitter. Criteria: ICSL Variant Classification Criteria 13 December 2019. Collection method: clinical testing. Allele origin: germline.